The following is an entry in ClinVar:

NM_018671.5(UNC45A):c.305T>C (p.Leu102Pro)

Gene: UNC45A (unc-45 myosin chaperone A; plus strand). Cytogenetic location: 15q26.1.
Variant type: single nucleotide variant.
Coding change: c.305T>C on transcript NM_018671.5 (MANE Select); coding-DNA position 305, T replaced by C.
Protein change: p.Leu102Pro; replaces leucine 102 with proline.
Molecular consequence: missense variant. On other transcripts: 5 prime UTR variant (1).
Genome position (GRCh38, 1-based): chr15:90,936,339, T>C. VCF-style: chr15-90936339-T-C. GRCh37 (hg19) VCF-style: chr15-91479569-T-C.
Other names: c.260T>C, p.Leu87Pro (NM_001039675.2, NM_001323621.2); c.305T>C, p.Leu102Pro (NM_001323619.1); c.-131T>C (NM_001323620.2); short protein forms L87P, L102P.
Identifiers: ClinVar variation 1968108 (VCV001968108.5), dbSNP rs1481042855, ClinGen allele CA393890834.

ClinVar aggregate classification (germline): Uncertain significance (1 of 4 stars; one submission).

Allele frequency attached by ClinVar (database versions not stated): gnomAD exomes below 0.00001.
gnomAD v4.1: 2 of 1,614,132 alleles (0.00012%); highest among the groups gnomAD compares: African/African-American, 0.0013%; no homozygotes.

Submission:

Labcorp Genetics (formerly Invitae), Labcorp
Classification: Uncertain significance. Last evaluated: 2022-04-12. Review status: criteria provided, single submitter. Criteria: Invitae Variant Classification Sherloc (09022015). Collection method: clinical testing. Allele origin: germline.
Comment: In summary, the available evidence is currently insufficient to determine the role of this variant in disease. Therefore, it has been classified as a Variant of Uncertain Significance. Algorithms developed to predict the effect of missense changes on protein structure and function are either unavailable or do not agree on the potential impact of this missense change (SIFT: "Not Available"; PolyPhen-2: "Probably Damaging"; Align-GVGD: "Not Available"). This variant has not been reported in the literature in individuals affected with UNC45A-related conditions. This variant is present in population databases (no rsID available, gnomAD 0.003%). This sequence change replaces leucine, which is neutral and non-polar, with proline, which is neutral and non-polar, at codon 102 of the UNC45A protein (p.Leu102Pro).